The following is an entry in ClinVar:

ClinVar aggregate classification (germline): Conflicting classifications of pathogenicity. Review status: criteria provided, conflicting classifications (1 of 4 stars). 2 submissions from 2 submitters: Uncertain significance (1); Likely benign (1). Last evaluated 2023-03-23.

Conditions:
Hereditary cancer-predisposing syndrome. Also called: Neoplastic Syndromes, Hereditary; Tumor predisposition; Hereditary Cancer Syndrome; Hereditary neoplastic syndrome. Identifiers: Orphanet 140162, MedGen C0027672, MeSH D009386, MONDO:0015356.

Submissions (2):

University of Washington Department of Laboratory Medicine, University of Washington
Classification: Likely benign for Hereditary cancer-predisposing syndrome. Last evaluated: 2023-03-23. Review status: criteria provided, single submitter. Criteria: Dines et al. (Genet Med. 2020). Collection method: curation. Allele origin: germline.
Comment: Missense variant in a coldspot region where missense variants are very unlikely to be pathogenic (PMID:31911673).

BRCA2 exon 10 coldspot. Reclassification based on statistical prior probability.

Ambry Genetics
Classification: Uncertain significance for Hereditary cancer-predisposing syndrome. Last evaluated: 2017-09-29. Review status: criteria provided, single submitter. Criteria: Ambry Variant Classification Scheme 2023. Collection method: clinical testing. Allele origin: germline.
Comment: The p.K382E variant (also known as c.1144A>G), located in coding exon 9 of the BRCA2 gene, results from an A to G substitution at nucleotide position 1144. The lysine at codon 382 is replaced by glutamic acid, an amino acid with similar properties. This amino acid position is poorly conserved in available vertebrate species. In addition, this alteration is predicted to be tolerated by in silico analysis. Since supporting evidence is limited at this time, the clinical significance of this alteration remains unclear.

NM_000059.4(BRCA2):c.1144A>G (p.Lys382Glu)

Gene: BRCA2 (BRCA2 DNA repair associated; plus strand). Cytogenetic location: 13q13.1.
Variant type: single nucleotide variant.
Coding change: c.1144A>G on transcript NM_000059.4 (MANE Select); coding-DNA position 1144, A replaced by G.
Protein change: p.Lys382Glu; replaces lysine 382 with glutamic acid.
Molecular consequence: missense variant.
Genome position (GRCh38, 1-based): chr13:32,332,622, A>G. VCF-style: chr13-32332622-A-G. GRCh37 (hg19) VCF-style: chr13-32906759-A-G.
Other names: c.1144A>G, p.Lys382Glu (NM_001406719.1, NM_001406720.1, NM_001406721.1); short protein forms K382E.
Identifiers: ClinVar variation 1732054 (VCV001732054.4), dbSNP rs371454630, ClinGen allele CA387761820.